The following is an entry in ClinVar:

NM_004393.6(DAG1):c.1211C>T (p.Thr404Met)

Gene: DAG1 (dystroglycan 1; plus strand). Cytogenetic location: 3p21.31.
Variant type: single nucleotide variant.
Coding change: c.1211C>T on transcript NM_004393.6 (MANE Select); coding-DNA position 1211, C replaced by T.
Protein change: p.Thr404Met; replaces threonine 404 with methionine.
Molecular consequence: missense variant.
Genome position (GRCh38, 1-based): chr3:49,531,722, C>T. VCF-style: chr3-49531722-C-T. GRCh37 (hg19) VCF-style: chr3-49569155-C-T.
Other names: c.1211C>T, p.Thr404Met (NM_001165928.4, NM_001177634.3, NM_001177635.3 and 9 more transcripts); short protein forms T404M.
Identifiers: ClinVar variation 1903963 (VCV001903963.2), dbSNP rs1426178411, ClinGen allele CA352794941.

ClinVar aggregate classification (germline): Uncertain significance (1 of 4 stars; one submission).

Conditions:
Muscular dystrophy-dystroglycanopathy (congenital with brain and eye anomalies), type A9. Also called: Muscular dystrophy-dystroglycanopathy (congenital with brain and eye anomalies), type a, 9; WALKER-WARBURG SYNDROME OR MUSCLE-EYE BRAIN DISEASE, DAG1-RELATED. Identifiers: Orphanet 370997, Orphanet 899, MedGen C4225291, MONDO:0014683, OMIM 616538.
Autosomal recessive limb-girdle muscular dystrophy type 2P. Also called: MUSCULAR DYSTROPHY-DYSTROGLYCANOPATHY, LIMB-GIRDLE, DAG1-RELATED; Limb-Girdle Muscular Dystrophy Type 9C; MUSCULAR DYSTROPHY, LIMB-GIRDLE, TYPE 2P. Identifiers: Orphanet 280333, MedGen C4511963, MONDO:0013440, OMIM 613818.

Allele frequency attached by ClinVar (database versions not stated): gnomAD 0.00001; gnomAD exomes 0.00001.
gnomAD v4.1: 12 of 1,614,018 alleles (0.00074%); highest among the groups gnomAD compares: African/African-American, 0.0013%; no homozygotes.

Submission:

Labcorp Genetics (formerly Invitae), Labcorp
Classification: Uncertain significance for Autosomal recessive limb-girdle muscular dystrophy type 2P; Muscular dystrophy-dystroglycanopathy (congenital with brain and eye anomalies), type A9. Last evaluated: 2022-08-01. Review status: criteria provided, single submitter. Criteria: Invitae Variant Classification Sherloc (09022015). Collection method: clinical testing. Allele origin: germline.
Comment: This sequence change replaces threonine, which is neutral and polar, with methionine, which is neutral and non-polar, at codon 404 of the DAG1 protein (p.Thr404Met). This variant is present in population databases (no rsID available, gnomAD 0.0009%). This variant has not been reported in the literature in individuals affected with DAG1-related conditions. Algorithms developed to predict the effect of missense changes on protein structure and function are either unavailable or do not agree on the potential impact of this missense change (SIFT: "Deleterious"; PolyPhen-2: "Possibly Damaging"; Align-GVGD: "Class C0"). In summary, the available evidence is currently insufficient to determine the role of this variant in disease. Therefore, it has been classified as a Variant of Uncertain Significance.